The following is an entry in ClinVar:

NM_030937.6(CCNL2):c.74C>G (p.Ser25Cys)

Gene: CCNL2 (cyclin L2; minus strand). Cytogenetic location: 1p36.33.
Variant type: single nucleotide variant.
Coding change: c.74C>G on transcript NM_030937.6 (MANE Select); coding-DNA position 74, C replaced by G.
Protein change: p.Ser25Cys; replaces serine 25 with cysteine.
Molecular consequence: missense variant. On other transcripts: 5 prime UTR variant (6), non-coding transcript variant (3).
Genome position (GRCh38, 1-based): chr1:1,399,233, G>C on the plus strand (C>G on the coding strand, the complement: CCNL2 is on the minus strand). VCF-style: chr1-1399233-G-C. GRCh37 (hg19) VCF-style: chr1-1334613-G-C.
Other names: NC_000001.10:g.1334613G>C; c.74C>G, p.Ser25Cys (NM_001039577.5); c.-1317C>G (NM_001320153.3); c.-607C>G (NM_001320155.3); c.-741C>G (NM_001350497.2); c.-718C>G (NM_001350498.2); c.-724C>G (NM_001350499.2); c.-613C>G (NM_001350500.2); short protein forms S25C.
Identifiers: ClinVar variation 3052965 (VCV003052965.3), dbSNP rs376963263, ClinGen allele CA522398.
Genomic context (GRCh38, chr1:1,399,233, plus strand): 5'-ACCCCGGAGTACAGCCTGTCCCCGATCAGCACCCCCTGCGACCCTGAGGGTGCGCCCCCA[G>C]ATCCCGGGGCGCCGGCCGCTGCCGCGGGAGCTGCCGACCCTGCAGCACCAGCCGCCGCCG-3'
Protein context (NP_112199.2, residues 15-35): APAAAAGAPG[Ser25Cys]GGAPSGSQGV

ClinVar aggregate classification (germline): Likely benign (0 of 4 stars; one submission).

Conditions:
CCNL2-related disorder. Also called: CCNL2-related condition.

Allele frequency attached by ClinVar (database versions not stated): TOPMed 0.00026; 1000 Genomes Project 0.00060; 1000 Genomes Project 30x 0.00078.

Submissions (2):

PreventionGenetics, part of Exact Sciences
Classification: Likely benign for CCNL2-related condition. Last evaluated: 2023-03-07. Review status: no assertion criteria provided. Collection method: clinical testing. Allele origin: germline.
Comment: This variant is classified as likely benign based on ACMG/AMP sequence variant interpretation guidelines (Richards et al. 2015 PMID: 25741868, with internal and published modifications).

Dr. Peter K. Rogan Lab, Western University
No classification provided (evidence only). Condition: Lung cancer. Review status: no classification provided. Collection method: in vitro. Allele origin: not applicable. Functional consequence: retained intron. Not counted in ClinVar's aggregate classification.